The following is an entry in ClinVar:

NM_024675.4(PALB2):c.1020T>C (p.Asn340=)

Gene: PALB2 (partner and localizer of BRCA2; minus strand). Cytogenetic location: 16p12.2.
Variant type: single nucleotide variant.
Coding change: c.1020T>C on transcript NM_024675.4 (MANE Select); coding-DNA position 1020, T replaced by C.
Protein change: p.Asn340=; no amino-acid change (asparagine 340 retained).
Molecular consequence: synonymous variant.
Genome position (GRCh38, 1-based): chr16:23,635,526, A>G on the plus strand (T>C on the coding strand, the complement: PALB2 is on the minus strand). VCF-style: chr16-23635526-A-G. GRCh37 (hg19) VCF-style: chr16-23646847-A-G.
Identifiers: ClinVar variation 232989 (VCV000232989.20), dbSNP rs748432666, ClinGen allele CA7963736.

ClinVar aggregate classification (germline): Benign/Likely benign. Review status: criteria provided, multiple submitters, no conflicts (2 of 4 stars). 5 submissions from 5 submitters: Benign (1); Likely benign (3). 1 of the submissions does not count toward it. Last evaluated 2026-01-19.

Conditions:
Hereditary cancer-predisposing syndrome. Also called: Neoplastic Syndromes, Hereditary; Tumor predisposition; Hereditary Cancer Syndrome; Hereditary neoplastic syndrome. Identifiers: Orphanet 140162, MedGen C0027672, MeSH D009386, MONDO:0015356.
PALB2-related disorder. Also called: PALB2-related disorders; PALB2-related condition.
Familial cancer of breast. Also called: BREAST CANCER, FAMILIAL; hereditary breast carcinoma; Hereditary breast cancer. Identifiers: Orphanet 227535, MedGen C0346153, MONDO:0016419, OMIM 114480. Disease mechanism: loss of function.

Allele frequency attached by ClinVar (database versions not stated): gnomAD exomes below 0.00001; ExAC 0.00001.
gnomAD v4.1: 1 of 1,613,666 alleles (0.000062%); highest among the groups gnomAD compares: African/African-American, 0.0013%; no homozygotes.

Submissions (5):

Labcorp Genetics (formerly Invitae), Labcorp
Classification: Likely benign for Familial cancer of breast. Last evaluated: 2026-01-19. Review status: criteria provided, single submitter. Criteria: Invitae Variant Classification Sherloc (09022015). Collection method: clinical testing. Allele origin: germline.

Myriad Genetics, Inc.
Classification: Benign for Familial cancer of breast. Last evaluated: 2025-01-13. Review status: criteria provided, single submitter. Criteria: Myriad Autosomal Dominant, Autosomal Recessive and X-Linked Classification Criteria (2023). Collection method: clinical testing. Allele origin: unknown.
Comment: This variant is considered benign. This variant is a silent/synonymous amino acid change and it is not expected to impact splicing.

Color Diagnostics, LLC DBA Color Health
Classification: Likely benign for Hereditary cancer-predisposing syndrome. Last evaluated: 2023-02-26. Review status: criteria provided, single submitter. Criteria: ACMG Guidelines, 2015. Collection method: clinical testing. Allele origin: germline.

Ambry Genetics
Classification: Likely benign for Hereditary cancer-predisposing syndrome. Last evaluated: 2015-07-15. Review status: criteria provided, single submitter. Criteria: Ambry Variant Classification Scheme 2023. Collection method: clinical testing. Allele origin: germline.

PreventionGenetics, part of Exact Sciences
Classification: Likely benign for PALB2-related condition. Last evaluated: 2024-03-11. Review status: no assertion criteria provided. Collection method: clinical testing. Allele origin: germline. Not counted in ClinVar's aggregate classification.
Comment: This variant is classified as likely benign based on ACMG/AMP sequence variant interpretation guidelines (Richards et al. 2015 PMID: 25741868, with internal and published modifications).